The following is an entry in ClinVar:

NM_000051.4(ATM):c.6572G>A (p.Arg2191Lys)

Genes: ATM (ATM serine/threonine kinase; plus strand), C11orf65 (chromosome 11 open reading frame 65; minus strand). Cytogenetic location: 11q22.3.
Variant type: single nucleotide variant.
Coding change: c.6572G>A on transcript NM_000051.4 (MANE Select); coding-DNA position 6572, G replaced by A.
Protein change: p.Arg2191Lys; replaces arginine 2191 with lysine.
Molecular consequence: missense variant. On other transcripts: intron variant (2).
Genome position (GRCh38, 1-based): chr11:108,321,420, G>A. VCF-style: chr11-108321420-G-A. GRCh37 (hg19) VCF-style: chr11-108192147-G-A.
Other names: c.6572G>A, p.Arg2191Lys (NM_001351834.2); c.641-12349C>T (NM_001330368.2); c.*39-12349C>T (NM_001351110.2); short protein forms R2191K.
Identifiers: ClinVar variation 1435361 (VCV001435361.10), dbSNP rs1196814221, ClinGen allele CA382554449.
Genomic context (GRCh38, chr11:108,321,420, plus strand): 5'-CCACACTTAGCAGGTTGCAGGCCATTGGAGAGCTGGAAAGCATTGGGGAGCTTTTCTCAA[G>A]GTATGTAATTCGTATGACTTTGTTATCCTAAAGTGCAGCTTTTCTGTTACCAATAGTGAC-3'
Protein context (NP_000042.3, residues 2181-2201): ELESIGELFS[Arg2191Lys]SVTHRQLSEV

ClinVar aggregate classification (germline): Conflicting classifications of pathogenicity. Review status: criteria provided, conflicting classifications (1 of 4 stars). 2 submissions from 2 submitters: Uncertain significance (1); Likely benign (1). Last evaluated 2022-06-30.

Conditions:
Hereditary cancer-predisposing syndrome. Also called: Tumor predisposition; Neoplastic Syndromes, Hereditary; Hereditary Cancer Syndrome; Hereditary neoplastic syndrome. Identifiers: Orphanet 140162, MedGen C0027672, MeSH D009386, MONDO:0015356.
Ataxia-telangiectasia syndrome (AT). Also called: Ataxia-telangiectasia; LOUIS-BAR SYNDROME; Ataxia-telangiectasia, complementation group D; AT, COMPLEMENTATION GROUP C; ATAXIA-TELANGIECTASIA, COMPLEMENTATION GROUP A; ATAXIA-TELANGIECTASIA, FRESNO VARIANT. Identifiers: Orphanet 100, MedGen C0004135, MONDO:0008840, OMIM 208900.

Submissions (2):

Ambry Genetics
Classification: Likely benign for Hereditary cancer-predisposing syndrome. Last evaluated: 2022-06-30. Review status: criteria provided, single submitter. Criteria: Ambry Variant Classification Scheme 2023. Collection method: clinical testing. Allele origin: germline.

Labcorp Genetics (formerly Invitae), Labcorp
Classification: Uncertain significance for Ataxia-telangiectasia syndrome. Last evaluated: 2021-04-27. Review status: criteria provided, single submitter. Criteria: Invitae Variant Classification Sherloc (09022015). Collection method: clinical testing. Allele origin: germline.
Comment: This variant has not been reported in the literature in individuals with ATM-related conditions. This variant is not present in population databases (ExAC no frequency). This sequence change replaces arginine with lysine at codon 2191 of the ATM protein (p.Arg2191Lys). The arginine residue is highly conserved and there is a small physicochemical difference between arginine and lysine. This variant also falls at the last nucleotide of exon 45, which is part of the consensus splice site for this exon. Algorithms developed to predict the effect of missense changes on protein structure and function output the following: SIFT: "Tolerated"; PolyPhen-2: "Benign"; Align-GVGD: "Class C0". The lysine amino acid residue is found in multiple mammalian species, suggesting that this missense change does not adversely affect protein function. These predictions have not been confirmed by published functional studies and their clinical significance is uncertain. In summary, the available evidence is currently insufficient to determine the role of this variant in disease. Therefore, it has been classified as a Variant of Uncertain Significance. Nucleotide substitutions within the consensus splice site are a relatively common cause of aberrant splicing (PMID: 17576681, 9536098). Algorithms developed to predict the effect of sequence changes on RNA splicing suggest that this variant may disrupt the consensus splice site, but this prediction has not been confirmed by published transcriptional studies.

Literature cited by the submitters: PubMed 17576681 (cited by Labcorp Genetics (formerly Invitae), Labcorp); PubMed 9536098 (cited by Labcorp Genetics (formerly Invitae), Labcorp).